The following is an entry in ClinVar:

NM_001849.4(COL6A2):c.1651AAAGGAGAG[3] (p.551KGE[3])

Gene: COL6A2 (collagen type VI alpha 2 chain; plus strand). Cytogenetic location: 21q22.3.
Variant type: Microsatellite.
Coding change: c.1651AAAGGAGAG[3] on transcript NM_001849.4 (MANE Select); three copies in a row of the 9-base unit AAAGGAGAG starting at c.1651; the reference has two copies in a row; one copy, 9 bases duplicated; also written c.1660_1668dup.
Protein change: p.551KGE[3].
Molecular consequence: inframe insertion.
Genome position (GRCh38, 1-based): chr21:46,122,926-46,122,934, AAAGGAGAG duplicated; duplicating any 9 consecutive bases within chr21:46,122,916-46,122,934 gives the same sequence; the position shown is the placement nearest the transcript's 3' end. VCF-style (leftmost placement, unchanged base first): chr21-46122915-G-GGAAAGGAGA. GRCh37 (hg19) VCF-style: chr21-47542829-G-GGAAAGGAGA.
Other names: c.1660_1668dup (NM_001849.4); c.1651AAAGGAGAG[3], p.551KGE[3] (NM_058174.3, NM_058175.3).
Identifiers: ClinVar variation 450506 (VCV000450506.8), dbSNP rs773493556, ClinGen allele CA10072072.

ClinVar aggregate classification (germline): Uncertain significance. Review status: criteria provided, multiple submitters, no conflicts (2 of 4 stars). 3 submissions from 3 submitters: Uncertain significance (3). Last evaluated 2024-06-27.

Conditions:
Bethlem myopathy 1A. Also called: MYOPATHY, BENIGN CONGENITAL, WITH CONTRACTURES; Bethlem myopathy 1; Bethlem Muscular Dystrophy. Identifiers: Orphanet 610, MedGen CN029274, MONDO:0024530, OMIM 158810.

Submissions (3):

Revvity Omics, Revvity
Classification: Uncertain significance. Last evaluated: 2024-06-27. Review status: criteria provided, single submitter. Criteria: ACMG Guidelines, 2015. Collection method: clinical testing. Allele origin: germline.

Labcorp Genetics (formerly Invitae), Labcorp
Classification: Uncertain significance for Bethlem myopathy 1A. Last evaluated: 2024-01-05. Review status: criteria provided, single submitter. Criteria: Invitae Variant Classification Sherloc (09022015). Collection method: clinical testing. Allele origin: germline.
Comment: This variant, c.1660_1668dup, results in the insertion of 3 amino acid(s) of the COL6A2 protein (p.Lys554_Glu556dup), but otherwise preserves the integrity of the reading frame. This variant is present in population databases (rs773493556, gnomAD 0.03%). This variant has not been reported in the literature in individuals affected with COL6A2-related conditions. ClinVar contains an entry for this variant (Variation ID: 450506). Experimental studies and prediction algorithms are not available or were not evaluated, and the functional significance of this variant is currently unknown. In summary, the available evidence is currently insufficient to determine the role of this variant in disease. Therefore, it has been classified as a Variant of Uncertain Significance.

GeneDx
Classification: Uncertain significance. Last evaluated: 2017-07-18. Review status: criteria provided, single submitter. Criteria: GeneDx Variant Classification (06012015). Collection method: clinical testing. Allele origin: germline. Affected: yes.
Comment: The c.1660_1668dupAAAGGAGAG variant has not been published as a pathogenic variant, nor has it been reported as a benign variant to our knowledge. The c.1660_1668dupAAAGGAGAG variant is observed in 5/16,504 (0.03%) alleles from individuals of South Asian background (Lek et al., 2016; 1000 Genomes Consortium et al., 2015; Exome Variant Server). The c.1660_1668dupAAAGGAGAG variant results in an in-frame duplication of three amino acids, denoted p.Lys554_Glu556dup. This substitution occurs within the Gly-X-Y motif in the triple helical (TH) domain of collagen VI, a region that is well-conserved across species. However, in silico analysis predicts this variant likely does not alter the protein structure/function.